The following is an entry in ClinVar:

ClinVar aggregate classification (germline): Uncertain significance. Review status: criteria provided, multiple submitters, no conflicts (2 of 4 stars). 2 submissions from 2 submitters: Uncertain significance (2). Last evaluated 2023-10-01.

Conditions:
Retinal dystrophy. Also called: Inherited retinal dystrophy. Identifiers: Orphanet 71862, MedGen C0854723, MeSH D058499, MONDO:0019118, HP:0000556.

Allele frequency attached by ClinVar (database versions not stated): TOPMed below 0.00001; gnomAD exomes 0.00002.
gnomAD v4.1: 7 of 1,170,809 alleles (0.0006%); highest among the groups gnomAD compares: East Asian, 0.023%; no homozygotes.

Submissions (2):

Dept Of Ophthalmology, Nagoya University
Classification: Uncertain significance for Retinal dystrophy. Last evaluated: 2023-10-01. Review status: criteria provided, single submitter. Criteria: Submitter's publication. Collection method: research. Allele origin: germline. Affected: yes.

Labcorp Genetics (formerly Invitae), Labcorp
Classification: Uncertain significance. Last evaluated: 2021-08-26. Review status: criteria provided, single submitter. Criteria: Invitae Variant Classification Sherloc (09022015). Collection method: clinical testing. Allele origin: germline.
Comment: This sequence change replaces serine with leucine at codon 15 of the RP2 protein (p.Ser15Leu). The serine residue is weakly conserved and there is a large physicochemical difference between serine and leucine. This variant is not present in population databases (ExAC no frequency). This variant has not been reported in the literature in individuals affected with RP2-related conditions. Algorithms developed to predict the effect of missense changes on protein structure and function (SIFT, PolyPhen-2, Align-GVGD) all suggest that this variant is likely to be tolerated. In summary, the available evidence is currently insufficient to determine the role of this variant in disease. Therefore, it has been classified as a Variant of Uncertain Significance.

NM_006915.3(RP2):c.44C>T (p.Ser15Leu)

Genes: RP2 (RP2 activator of ARL3 GTPase; plus strand), LOC130068202 (ATAC-STARR-seq lymphoblastoid active region 29577; plus strand). Cytogenetic location: Xp11.3.
Variant type: single nucleotide variant.
Coding change: c.44C>T on transcript NM_006915.3 (MANE Select); coding-DNA position 44, C replaced by T.
Protein change: p.Ser15Leu; replaces serine 15 with leucine.
Molecular consequence: missense variant.
Genome position (GRCh38, 1-based): chrX:46,837,144, C>T. VCF-style: chrX-46837144-C-T. GRCh37 (hg19) VCF-style: chrX-46696579-C-T.
Other names: short protein forms S15L.
Identifiers: ClinVar variation 1021801 (VCV001021801.7), dbSNP rs1556313479, ClinGen allele CA413038235.